The following is an entry in ClinVar:

NM_031229.4(RBCK1):c.22+33C>T

Gene: RBCK1 (RANBP2-type and C3HC4-type zinc finger containing 1; plus strand). Cytogenetic location: 20p13.
Variant type: single nucleotide variant.
Coding change: c.22+33C>T on transcript NM_031229.4 (MANE Select); 33 bases into the intron after coding-DNA position 22, C replaced by T.
Molecular consequence: intron variant.
Genome position (GRCh38, 1-based): chr20:408,812, C>T. VCF-style: chr20-408812-C-T. GRCh37 (hg19) VCF-style: chr20-389456-C-T.
Other names: c.-328+33C>T (NM_001323956.2); c.41+33C>T (NM_006462.6); c.-183+33C>T (NM_001323958.2); c.22+33C>T (NM_001323960.2).
Identifiers: ClinVar variation 1185505 (VCV001185505.8), dbSNP rs3746792, ClinGen allele CA9722849.
Genomic context (GRCh38, chr20:408,812, plus strand): 5'-CGCCAGATGGACGAGAAGACCAAGAAAGGTGGGCACAGGCTGGAGGTGGCTGGGGAACTT[C>T]CGGTGGGAAGTGGGCCCCGCAGGACCTGGCCTTGCCCCTGGCCAGAAGGGCCTTGGAGAG-3'

ClinVar aggregate classification (germline): Benign. Review status: criteria provided, multiple submitters, no conflicts (2 of 4 stars). 4 submissions from 4 submitters: Benign (4). Last evaluated 2023-11-12.

Conditions:
Polyglucosan body myopathy type 1 (PGBM1). Also called: Polyglucosan body myopathy 1 with or without immunodeficiency; POLYGLUCOSAN BODY MYOPATHY WITHOUT IMMUNODEFICIENCY. Identifiers: Orphanet 329173, Orphanet 397937, MedGen C4014605, MONDO:0014389, OMIM 615895.

Allele frequency attached by ClinVar (database versions not stated): 1000 Genomes Project 0.40415; 1000 Genomes Project 30x 0.40147; TOPMed 0.43214; gnomAD exomes 0.44804; ExAC 0.47119; ESP Exome Variant Server 0.45403.
gnomAD v4.1: 773,415 of 1,598,886 alleles (48%); highest among the groups gnomAD compares: Non-Finnish European, 51%; 189,833 homozygotes.

Submissions (4):

Unidad de Genómica Garrahan, Hospital de Pediatría Garrahan
Classification: Benign. Last evaluated: 2023-11-12. Review status: criteria provided, single submitter. Criteria: ACMG Guidelines, 2015. Collection method: clinical testing. Allele origin: germline. Affected: no. Observed: 52 variant alleles.
Comment: This variant is classified as Benign based on local population frequency. This variant was detected in 54% of patients studied by a panel of primary immunodeficiencies. Number of patients: 52. Only high quality variants are reported.

Genome-Nilou Lab
Classification: Benign for Polyglucosan body myopathy type 1. Last evaluated: 2021-07-14. Review status: criteria provided, single submitter. Criteria: ACMG Guidelines, 2015. Collection method: clinical testing. Allele origin: germline. Affected: no.

GeneDx
Classification: Benign. Last evaluated: 2021-05-14. Review status: criteria provided, single submitter. Criteria: GeneDx Variant Classification Process June 2021. Collection method: clinical testing. Allele origin: germline. Affected: yes.

Breakthrough Genomics
Classification: Benign. Review status: criteria provided, single submitter. Criteria: ACMG Guidelines, 2015. Collection method: not provided. Allele origin: germline. Inheritance: Autosomal recessive inheritance. Affected: yes.